The following is an entry in ClinVar:

ClinVar aggregate classification (germline): Uncertain significance (1 of 4 stars; one submission).

Allele frequency attached by ClinVar (database versions not stated): ExAC 0.00001; gnomAD exomes 0.00001; gnomAD 0.00005; TOPMed 0.00005; 1000 Genomes Project 0.00040; 1000 Genomes Project 30x 0.00047.
gnomAD v4.1: 26 of 1,614,178 alleles (0.0016%); highest among the groups gnomAD compares: Admixed American, 0.02%; no homozygotes.

Submission:

Ambry Genetics
Classification: Uncertain significance. Last evaluated: 2022-11-27. Review status: criteria provided, single submitter. Criteria: Ambry Variant Classification Scheme 2023. Collection method: clinical testing. Allele origin: germline.
Comment: The p.N215S variant (also known as c.644A>G), located in coding exon 7 of the ILK gene, results from an A to G substitution at nucleotide position 644. The asparagine at codon 215 is replaced by serine, an amino acid with highly similar properties. This amino acid position is conserved. In addition, this alteration is predicted to be tolerated by in silico analysis. Since supporting evidence is limited at this time, the clinical significance of this alteration remains unclear.

NM_004517.4(ILK):c.644A>G (p.Asn215Ser)

Genes: TAF10 (TATA-box binding protein associated factor 10; minus strand), ILK (integrin linked kinase; plus strand). Cytogenetic location: 11p15.4.
Variant type: single nucleotide variant.
Coding change: c.644A>G on transcript NM_004517.4 (MANE Select); coding-DNA position 644, A replaced by G.
Protein change: p.Asn215Ser; replaces asparagine 215 with serine.
Molecular consequence: missense variant. On other transcripts: 3 prime UTR variant (1).
Genome position (GRCh38, 1-based): chr11:6,609,324, A>G. VCF-style: chr11-6609324-A-G. GRCh37 (hg19) VCF-style: chr11-6630555-A-G.
Other names: c.644A>G, p.Asn215Ser (NM_001014794.3, NM_001014795.3); c.461A>G, p.Asn154Ser (NM_001278441.2); c.242A>G, p.Asn81Ser (NM_001278442.2); c.*1598T>C (NM_006284.4); short protein forms N215S, N154S, N81S.
Identifiers: ClinVar variation 2447021 (VCV002447021.2), dbSNP rs189208619, ClinGen allele CA5858141.